The following is an entry in ClinVar:

NM_198488.5(SACK1H):c.580G>A (p.Asp194Asn)

Gene: SACK1H (scaffolding CK1 anchoring protein H; minus strand). Cytogenetic location: 8q24.3.
Variant type: single nucleotide variant.
Coding change: c.580G>A on transcript NM_198488.5 (MANE Select); coding-DNA position 580, G replaced by A.
Protein change: p.Asp194Asn; replaces aspartic acid 194 with asparagine.
Molecular consequence: missense variant.
Genome position (GRCh38, 1-based): chr8:143,729,191, C>T on the plus strand (G>A on the coding strand, the complement: SACK1H is on the minus strand). VCF-style: chr8-143729191-C-T. GRCh37 (hg19) VCF-style: chr8-144811361-C-T.
Other names: short protein forms D194N.
Identifiers: ClinVar variation 4821197 (VCV004821197.4).

ClinVar aggregate classification (germline): Likely benign (1 of 4 stars; one submission).

gnomAD v4.1: 149 of 1,613,652 alleles (0.0092%); highest among the groups gnomAD compares: Middle Eastern, 0.12%; 1 homozygote.

Submission:

CeGaT Center for Human Genetics Tuebingen
Classification: Likely benign. Last evaluated: 2026-03-01. Review status: criteria provided, single submitter. Criteria: CeGaT Center For Human Genetics Tuebingen Variant Classification Criteria Version 2. Collection method: clinical testing. Allele origin: germline. Affected: yes. Observed: 1 variant allele.
Comment: SACK1H: BP4, BS2